The following is an entry in ClinVar:

ClinVar aggregate classification (germline): Conflicting classifications of pathogenicity. Review status: criteria provided, conflicting classifications (1 of 4 stars). 3 submissions from 3 submitters: Uncertain significance (2); Likely benign (1). Last evaluated 2026-02-01.

Conditions:
Fibrous dysplasia of jaw (CRBM). Also called: Cherubism. Identifiers: Orphanet 184, MedGen C0008029, MONDO:0007315, OMIM 118400.
Inborn genetic diseases. Identifiers: MedGen C0950123, MeSH D030342.

Allele frequency attached by ClinVar (database versions not stated): TOPMed 0.00002; gnomAD 0.00005 and 0.00006; ESP Exome Variant Server 0.00008.
gnomAD v4.1: 76 of 1,614,132 alleles (0.0047%); highest among the groups gnomAD compares: Non-Finnish European, 0.0056%; no homozygotes.

Submissions (3):

Labcorp Genetics (formerly Invitae), Labcorp
Classification: Uncertain significance for Fibrous dysplasia of jaw. Last evaluated: 2026-02-01. Review status: criteria provided, single submitter. Criteria: Invitae Variant Classification Sherloc (09022015). Collection method: clinical testing. Allele origin: germline.
Comment: This sequence change replaces serine, which is neutral and polar, with leucine, which is neutral and non-polar, at codon 147 of the SH3BP2 protein (p.Ser147Leu). This variant is present in population databases (rs150461713, gnomAD 0.006%). This variant has not been reported in the literature in individuals affected with SH3BP2-related conditions. ClinVar contains an entry for this variant (Variation ID: 348572). Invitae Evidence Modeling of protein sequence and biophysical properties (such as structural, functional, and spatial information, amino acid conservation, physicochemical variation, residue mobility, and thermodynamic stability) indicates that this missense variant is not expected to disrupt SH3BP2 protein function with a negative predictive value of 80%. In summary, the available evidence is currently insufficient to determine the role of this variant in disease. Therefore, it has been classified as a Variant of Uncertain Significance.

Ambry Genetics
Classification: Uncertain significance for Inborn genetic diseases. Last evaluated: 2024-05-20. Review status: criteria provided, single submitter. Criteria: Ambry Variant Classification Scheme 2023. Collection method: clinical testing. Allele origin: germline.

Illumina Laboratory Services, Illumina
Classification: Likely benign for Fibrous dysplasia of jaw. Last evaluated: 2018-01-13. Review status: criteria provided, single submitter. Criteria: ICSL Variant Classification Criteria 13 December 2019. Collection method: clinical testing. Allele origin: germline.
Comment: This variant was observed in the ICSL laboratory as part of a predisposition screen in an ostensibly healthy population. It had not been previously curated by ICSL or reported in the Human Gene Mutation Database (HGMD: prior to June 1st, 2018), and was therefore a candidate for classification through an automated scoring system. Utilizing variant allele frequency, disease prevalence and penetrance estimates, and inheritance mode, an automated score was calculated to assess if this variant is too frequent to cause the disease. Based on the score and internal cut-off values, a variant classified as likely benign is not then subjected to further curation. The score for this variant resulted in a classification of likely benign for this disease.

NM_001122681.2(SH3BP2):c.440C>T (p.Ser147Leu)

Gene: SH3BP2 (SH3 domain binding protein 2; plus strand). Cytogenetic location: 4p16.3.
Variant type: single nucleotide variant.
Coding change: c.440C>T on transcript NM_001122681.2 (MANE Select); coding-DNA position 440, C replaced by T.
Protein change: p.Ser147Leu; replaces serine 147 with leucine.
Molecular consequence: missense variant.
Genome position (GRCh38, 1-based): chr4:2,827,241, C>T. VCF-style: chr4-2827241-C-T. GRCh37 (hg19) VCF-style: chr4-2828968-C-T.
Other names: c.440C>T, p.Ser147Leu (LRG_1334t1, NM_003023.4); c.524C>T, p.Ser175Leu (LRG_1334t2, NM_001145855.2); c.611C>T, p.Ser204Leu (NM_001145856.2); short protein forms S147L, S175L, S204L.
Identifiers: ClinVar variation 348572 (VCV000348572.15), dbSNP rs150461713, ClinGen allele CA2819177.